The following is an entry in ClinVar:

ClinVar aggregate classification (germline): Conflicting classifications of pathogenicity. Review status: criteria provided, conflicting classifications (1 of 4 stars). 2 submissions from 2 submitters: Uncertain significance (1); Likely benign (1). Last evaluated 2023-03-23.

Conditions:
Hereditary cancer-predisposing syndrome. Also called: Neoplastic Syndromes, Hereditary; Tumor predisposition; Hereditary neoplastic syndrome; Hereditary Cancer Syndrome. Identifiers: Orphanet 140162, MedGen C0027672, MeSH D009386, MONDO:0015356.
Hereditary breast ovarian cancer syndrome. Also called: Hereditary breast and ovarian cancer syndrome (HBOC); Hereditary breast and ovarian cancer; Hereditary breast and/or ovarian cancer syndrome; Hereditary breast and ovarian cancer syndrome; Breast and ovarian cancer; BRCA1- and BRCA2-Associated Hereditary Breast and Ovarian Cancer. Identifiers: Orphanet 145, MedGen C0677776, MeSH D061325, MONDO:0003582. Disease mechanism: loss of function.

Submissions (2):

University of Washington Department of Laboratory Medicine, University of Washington
Classification: Likely benign for Hereditary cancer-predisposing syndrome. Last evaluated: 2023-03-23. Review status: criteria provided, single submitter. Criteria: Dines et al. (Genet Med. 2020). Collection method: curation. Allele origin: germline.
Comment: Missense variant in a coldspot region where missense variants are very unlikely to be pathogenic (PMID:31911673).

BRCA2 exon 11 coldspot. Reclassification based on statistical prior probability.

Labcorp Genetics (formerly Invitae), Labcorp
Classification: Uncertain significance for Hereditary breast ovarian cancer syndrome. Last evaluated: 2018-01-09. Review status: criteria provided, single submitter. Criteria: Invitae Variant Classification Sherloc (09022015). Collection method: clinical testing. Allele origin: germline.
Comment: In summary, the available evidence is currently insufficient to determine the role of this variant in disease. Therefore, it has been classified as a Variant of Uncertain Significance. Algorithms developed to predict the effect of missense changes on protein structure and function do not agree on the potential impact of this missense change (SIFT: "Tolerated"; PolyPhen-2: "Possibly Damaging"; Align-GVGD: "Class C0"). This variant has not been reported in the literature in individuals with BRCA2-related disease. This variant is not present in population databases (ExAC no frequency). This sequence change replaces serine with isoleucine at codon 2018 of the BRCA2 protein (p.Ser2018Ile). The serine residue is weakly conserved and there is a large physicochemical difference between serine and isoleucine.

NM_000059.4(BRCA2):c.6053G>T (p.Ser2018Ile)

Gene: BRCA2 (BRCA2 DNA repair associated; plus strand). Cytogenetic location: 13q13.1.
Variant type: single nucleotide variant.
Coding change: c.6053G>T on transcript NM_000059.4 (MANE Select); coding-DNA position 6053, G replaced by T.
Protein change: p.Ser2018Ile; replaces serine 2018 with isoleucine.
Molecular consequence: missense variant.
Genome position (GRCh38, 1-based): chr13:32,340,408, G>T. VCF-style: chr13-32340408-G-T. GRCh37 (hg19) VCF-style: chr13-32914545-G-T.
Other names: short protein forms S2018I.
Identifiers: ClinVar variation 567235 (VCV000567235.10), dbSNP rs1566233796, ClinGen allele CA387787891.